The following is an entry in ClinVar:

NM_015272.5(RPGRIP1L):c.529+17G>A

Gene: RPGRIP1L (RPGRIP1 like; minus strand). Cytogenetic location: 16q12.2.
Variant type: single nucleotide variant.
Coding change: c.529+17G>A on transcript NM_015272.5 (MANE Select); 17 bases into the intron after coding-DNA position 529, G replaced by A.
Molecular consequence: intron variant.
Genome position (GRCh38, 1-based): chr16:53,692,049, C>T on the plus strand (G>A on the coding strand, the complement: RPGRIP1L is on the minus strand). VCF-style: chr16-53692049-C-T. GRCh37 (hg19) VCF-style: chr16-53725961-C-T.
Other names: c.529+17G>A (NM_001127897.4, NM_001330538.2, NM_001308334.3).
Identifiers: ClinVar variation 668636 (VCV000668636.10), dbSNP rs754295905, ClinGen allele CA8058107.

ClinVar aggregate classification (germline): Likely benign. Review status: criteria provided, multiple submitters, no conflicts (2 of 4 stars). 3 submissions from 3 submitters: Likely benign (3). Last evaluated 2026-01-18.

Conditions:
Joubert syndrome. Also called: JOUBERT-BOLTSHAUSER SYNDROME; Familial aplasia of the vermis. Identifiers: Orphanet 475, MedGen C5979921, MONDO:0018772.
Meckel-Gruber syndrome. Also called: DYSENCEPHALIA SPLANCHNOCYSTICA; GRUBER SYNDROME; Dysencephalia splachnocystica. Identifiers: Orphanet 564, MedGen C0265215, MONDO:0018921.

Allele frequency attached by ClinVar (database versions not stated): TOPMed 0.00002; gnomAD 0.00003; ExAC 0.00004; gnomAD exomes 0.00006 and 0.00007.
gnomAD v4.1: 103 of 1,611,774 alleles (0.0064%); highest among the groups gnomAD compares: South Asian, 0.04%; no homozygotes.

Submissions (3):

Labcorp Genetics (formerly Invitae), Labcorp
Classification: Likely benign for Joubert syndrome; Meckel-Gruber syndrome. Last evaluated: 2026-01-18. Review status: criteria provided, single submitter. Criteria: Invitae Variant Classification Sherloc (09022015). Collection method: clinical testing. Allele origin: germline.

Blueprint Genetics
Classification: Likely benign. Last evaluated: 2023-07-14. Review status: criteria provided, single submitter. Criteria: ACMG Guidelines, 2015. Collection method: clinical testing. Allele origin: germline.

GeneDx
Classification: Likely benign. Last evaluated: 2018-06-05. Review status: criteria provided, single submitter. Criteria: GeneDx Variant Classification (06012015). Collection method: clinical testing. Allele origin: germline. Affected: yes.
Comment: This variant is considered likely benign or benign based on one or more of the following criteria: it is a conservative change, it occurs at a poorly conserved position in the protein, it is predicted to be benign by multiple in silico algorithms, and/or has population frequency not consistent with disease.